The following is an entry in ClinVar:

NM_000264.5(PTCH1):c.1760T>C (p.Met587Thr)

Genes: PTCH1 (patched 1; minus strand), LOC100507346 (uncharacterized LOC100507346; plus strand). Cytogenetic location: 9q22.32.
Variant type: single nucleotide variant.
Coding change: c.1760T>C on transcript NM_000264.5 (MANE Select); coding-DNA position 1760, T replaced by C.
Protein change: p.Met587Thr; replaces methionine 587 with threonine.
Molecular consequence: missense variant. On other transcripts: non-coding transcript variant (2).
Genome position (GRCh38, 1-based): chr9:95,469,900, A>G on the plus strand (T>C on the coding strand, the complement: PTCH1 is on the minus strand). VCF-style: chr9-95469900-A-G. GRCh37 (hg19) VCF-style: chr9-98232182-A-G.
Other names: c.1562T>C, p.Met521Thr (NM_001083602.3); c.1757T>C, p.Met586Thr (NM_001083603.3); c.1307T>C, p.Met436Thr (NM_001083604.3, NM_001083605.3, NM_001083606.3 and 1 more transcripts); c.1604T>C, p.Met535Thr (NM_001354918.2); short protein forms M521T, M587T, M436T, M535T, M586T.
Identifiers: ClinVar variation 660723 (VCV000660723.10), dbSNP rs1588578473, ClinGen allele CA374116411.

ClinVar aggregate classification (germline): Uncertain significance. Review status: criteria provided, multiple submitters, no conflicts (2 of 4 stars). 2 submissions from 2 submitters: Uncertain significance (2). Last evaluated 2025-11-03.

Conditions:
Gorlin syndrome. Also called: Nevoid Basal Cell Carcinoma Syndrome; Basal cell nevus syndrome. Identifiers: Orphanet 377, MedGen C0004779, MONDO:0007187.
Hereditary cancer-predisposing syndrome. Also called: Neoplastic Syndromes, Hereditary; Hereditary neoplastic syndrome; Tumor predisposition; Hereditary Cancer Syndrome. Identifiers: Orphanet 140162, MedGen C0027672, MeSH D009386, MONDO:0015356.

Submissions (2):

Ambry Genetics
Classification: Uncertain significance for Hereditary cancer-predisposing syndrome. Last evaluated: 2025-11-03. Review status: criteria provided, single submitter. Criteria: Ambry Variant Classification Scheme 2023. Collection method: clinical testing. Allele origin: germline.
Comment: The p.M587T variant (also known as c.1760T>C), located in coding exon 13 of the PTCH1 gene, results from a T to C substitution at nucleotide position 1760. The methionine at codon 587 is replaced by threonine, an amino acid with similar properties. This amino acid position is highly conserved in available vertebrate species. In addition, this alteration is predicted to be deleterious by in silico analysis. Based on the available evidence, the clinical significance of this variant remains unclear.

Labcorp Genetics (formerly Invitae), Labcorp
Classification: Uncertain significance for Gorlin syndrome. Last evaluated: 2020-02-27. Review status: criteria provided, single submitter. Criteria: Invitae Variant Classification Sherloc (09022015). Collection method: clinical testing. Allele origin: germline.
Comment: This sequence change replaces methionine with threonine at codon 587 of the PTCH1 protein (p.Met587Thr). The methionine residue is moderately conserved and there is a moderate physicochemical difference between methionine and threonine. This variant is not present in population databases (ExAC no frequency). This variant has not been reported in the literature in individuals with PTCH1-related conditions. Algorithms developed to predict the effect of missense changes on protein structure and function (SIFT, PolyPhen-2, Align-GVGD) all suggest that this variant is likely to be tolerated, but these predictions have not been confirmed by published functional studies and their clinical significance is uncertain. In summary, the available evidence is currently insufficient to determine the role of this variant in disease. Therefore, it has been classified as a Variant of Uncertain Significance.